The following is an entry in ClinVar:

NM_000271.5(NPC1):c.1503C>T (p.Asp501=)

Gene: NPC1 (NPC intracellular cholesterol transporter 1; minus strand). Cytogenetic location: 18q11.2.
Variant type: single nucleotide variant.
Coding change: c.1503C>T on transcript NM_000271.5 (MANE Select); coding-DNA position 1503, C replaced by T.
Protein change: p.Asp501=; no amino-acid change (aspartic acid 501 retained).
Molecular consequence: synonymous variant.
Genome position (GRCh38, 1-based): chr18:23,554,808, G>A on the plus strand (C>T on the coding strand, the complement: NPC1 is on the minus strand). VCF-style: chr18-23554808-G-A. GRCh37 (hg19) VCF-style: chr18-21134772-G-A.
Identifiers: ClinVar variation 199002 (VCV000199002.27), dbSNP rs116046557, ClinGen allele CA203706.

ClinVar aggregate classification (germline): Benign/Likely benign. Review status: criteria provided, multiple submitters, no conflicts (2 of 4 stars). 10 submissions from 10 submitters: Benign (4); Likely benign (3). 3 of the submissions do not count toward it. Last evaluated 2026-02-03.

Conditions:
Niemann-Pick disease, type C1. Also called: NEUROVISCERAL STORAGE DISEASE WITH VERTICAL SUPRANUCLEAR OPHTHALMOPLEGIA; NIEMANN-PICK DISEASE WITH CHOLESTEROL ESTERIFICATION BLOCK; NIEMANN-PICK DISEASE WITHOUT SPHINGOMYELINASE DEFICIENCY; NIEMANN-PICK DISEASE, CHRONIC NEURONOPATHIC FORM; NIEMANN-PICK DISEASE, VARIANT TYPE C1. Identifiers: Orphanet 646, MedGen C3179455, MONDO:0009757, OMIM 257220.

Allele frequency attached by ClinVar (database versions not stated): gnomAD exomes 0.00142 and 0.00401; ExAC 0.00477; gnomAD 0.01565 and 0.01665; 1000 Genomes Project 0.01697; ESP Exome Variant Server 0.01715; TOPMed 0.01737; 1000 Genomes Project 30x 0.01983.
gnomAD v4.1: 4,539 of 1,614,030 alleles (0.28%); highest among the groups gnomAD compares: African/African-American, 5.3%; 105 homozygotes.

Submissions (10):

Labcorp Genetics (formerly Invitae), Labcorp
Classification: Benign for Niemann-Pick disease, type C1. Last evaluated: 2026-02-03. Review status: criteria provided, single submitter. Criteria: Invitae Variant Classification Sherloc (09022015). Collection method: clinical testing. Allele origin: germline.

Fulgent Genetics
Classification: Benign for Niemann-Pick disease, type C1. Last evaluated: 2022-03-14. Review status: criteria provided, single submitter. Criteria: ACMG Guidelines, 2015. Collection method: clinical testing. Allele origin: unknown.

GeneDx
Classification: Benign. Last evaluated: 2018-07-05. Review status: criteria provided, single submitter. Criteria: GeneDx Variant Classification Process June 2021. Collection method: clinical testing. Allele origin: germline. Affected: yes.

Genome Diagnostics Laboratory, University Medical Center Utrecht
Classification: Likely benign for Niemann-Pick disease, type C1. Last evaluated: 2017-07-28. Review status: criteria provided, single submitter. Criteria: ACGS Guidelines, 2013. Collection method: clinical testing. Allele origin: germline. Affected: yes. Study: VKGL Data-share Consensus.

Illumina Laboratory Services, Illumina
Classification: Likely benign for Niemann-Pick disease type C1. Last evaluated: 2017-04-28. Review status: criteria provided, single submitter. Criteria: ICSL Variant Classification Criteria 13 December 2019. Collection method: clinical testing. Allele origin: germline.
Comment: This variant was observed as part of a predisposition screen in an ostensibly healthy population. A literature search was performed for the gene, cDNA change, and amino acid change (where applicable). Publications were found based on this search. The evidence from the literature, in combination with allele frequency data from public databases where available, was sufficient to determine this variant is unlikely to cause disease. Therefore, this variant is classified as likely benign.

Eurofins Ntd Llc (ga)
Classification: Benign. Last evaluated: 2014-05-21. Review status: criteria provided, single submitter. Criteria: EGL Classification Definitions 2015. Collection method: clinical testing. Allele origin: germline. Observed: 1 variant allele, 1 heterozygote.

Breakthrough Genomics
Classification: Likely benign. Review status: criteria provided, single submitter. Criteria: ACMG Guidelines, 2015. Collection method: not provided. Allele origin: germline. Inheritance: Autosomal recessive inheritance. Affected: yes.

Natera, Inc.
Classification: Benign for Niemann-Pick disease type C1. Last evaluated: 2020-09-16. Review status: no assertion criteria provided. Collection method: clinical testing. Allele origin: germline. Not counted in ClinVar's aggregate classification.

Genome Diagnostics Laboratory, Amsterdam University Medical Center
Classification: Likely benign for Niemann-Pick disease, type C1. Last evaluated: 2017-11-10. Review status: no assertion criteria provided. Criteria: ACGS Guidelines, 2013. Collection method: clinical testing. Allele origin: germline. Affected: yes. Study: VKGL Data-share Consensus. Not counted in ClinVar's aggregate classification.

Mayo Clinic Laboratories, Mayo Clinic
Classification: Benign. Last evaluated: 2017-09-27. Review status: no assertion criteria provided. Collection method: clinical testing. Allele origin: unknown. Not counted in ClinVar's aggregate classification.

Literature cited by the submitters: PubMed 12955717 (cited by Illumina Laboratory Services, Illumina).